The following is an entry in ClinVar:

ClinVar aggregate classification (germline): Uncertain significance. Review status: criteria provided, multiple submitters, no conflicts (2 of 4 stars). 2 submissions from 2 submitters: Uncertain significance (2). Last evaluated 2024-09-23.

Conditions:
Arrhythmogenic right ventricular dysplasia 8 (ARVD8). Also called: Arrhythmogenic Right Ventricular Dysplasia/Cardiomyopathy 8; ARRHYTHMOGENIC RIGHT VENTRICULAR DYSPLASIA, FAMILIAL, 8; ARRHYTHMOGENIC RIGHT VENTRICULAR CARDIOMYOPATHY 8. Identifiers: MedGen C1843896, MONDO:0011831, OMIM 607450.
Arrhythmogenic cardiomyopathy with wooly hair and keratoderma. Also called: PALMOPLANTAR KERATODERMA WITH LEFT VENTRICULAR CARDIOMYOPATHY AND WOOLLY HAIR; Carvajal syndrome; Arrhythmogenic cardiomyopathy with woolly hair and keratoderma; Dilated cardiomyopathy with woolly hair and keratoderma. Identifiers: Orphanet 65282, MedGen C1854063, MONDO:0011581, OMIM 605676.

Allele frequency attached by ClinVar (database versions not stated): TOPMed below 0.00001.

Submissions (2):

All of Us Research Program, National Institutes of Health
Classification: Uncertain significance for Arrhythmogenic cardiomyopathy with wooly hair and keratoderma. Last evaluated: 2024-09-23. Review status: criteria provided, single submitter. Criteria: ACMG Guidelines, 2015. Collection method: clinical testing. Allele origin: germline. Inheritance: Autosomal dominant inheritance. Observed: 1 variant allele, 1 heterozygote.
Comment: This study involves interpretation of variants in research participants for the purpose of population health screening. Participant phenotype was not available at the time of variant classification. Additional details can be found in publication PMID: 35346344, PMCID: PMC8962531

Labcorp Genetics (formerly Invitae), Labcorp
Classification: Uncertain significance for Arrhythmogenic cardiomyopathy with wooly hair and keratoderma; Arrhythmogenic right ventricular dysplasia 8. Last evaluated: 2023-10-22. Review status: criteria provided, single submitter. Criteria: Invitae Variant Classification Sherloc (09022015). Collection method: clinical testing. Allele origin: germline.
Comment: This sequence change replaces isoleucine, which is neutral and non-polar, with valine, which is neutral and non-polar, at codon 1476 of the DSP protein (p.Ile1476Val). This variant is not present in population databases (gnomAD no frequency). This variant has not been reported in the literature in individuals affected with DSP-related conditions. An algorithm developed to predict the effect of missense changes on protein structure and function (PolyPhen-2) suggests that this variant is likely to be disruptive. In summary, the available evidence is currently insufficient to determine the role of this variant in disease. Therefore, it has been classified as a Variant of Uncertain Significance.

NM_004415.4(DSP):c.4426A>G (p.Ile1476Val)

Gene: DSP (desmoplakin; plus strand). Cytogenetic location: 6p24.3.
Variant type: single nucleotide variant.
Coding change: c.4426A>G on transcript NM_004415.4 (MANE Select); coding-DNA position 4426, A replaced by G.
Protein change: p.Ile1476Val; replaces isoleucine 1476 with valine.
Molecular consequence: missense variant. On other transcripts: intron variant (2).
Genome position (GRCh38, 1-based): chr6:7,580,616, A>G. VCF-style: chr6-7580616-A-G. GRCh37 (hg19) VCF-style: chr6-7580849-A-G.
Other names: c.4050+376A>G (NM_001319034.2); c.3582+844A>G (NM_001008844.3); short protein forms I1476V.
Identifiers: ClinVar variation 2925725 (VCV002925725.4), dbSNP rs1759400128, ClinGen allele CA362686282.